The following is an entry in ClinVar:

NM_014989.7(RIMS1):c.2327G>A (p.Arg776His)

Gene: RIMS1 (regulating synaptic membrane exocytosis 1; plus strand). Cytogenetic location: 6q13.
Variant type: single nucleotide variant.
Coding change: c.2327G>A on transcript NM_014989.7 (MANE Select); coding-DNA position 2327, G replaced by A.
Protein change: p.Arg776His; replaces arginine 776 with histidine.
Molecular consequence: missense variant.
Genome position (GRCh38, 1-based): chr6:72,250,415, G>A. VCF-style: chr6-72250415-G-A. GRCh37 (hg19) VCF-style: chr6-72960118-G-A.
Other names: c.749G>A, p.Arg250His (NM_001168407.2, NM_001168408.2, NM_001350414.2 and 37 more transcripts); c.506G>A, p.Arg169His (NM_001168409.2, NM_001350461.2, NM_001350463.2 and 6 more transcripts); c.704G>A, p.Arg235His (NM_001168410.2, NM_001350470.2, NM_001350472.2 and 2 more transcripts); c.680G>A, p.Arg227His (NM_001350421.2, NM_001350424.2, NM_001350428.2 and 6 more transcripts); short protein forms R235H, R227H, R250H, R776H, R169H.
Identifiers: ClinVar variation 2160841 (VCV002160841.4), dbSNP rs551537892, ClinGen allele CA3885949.

ClinVar aggregate classification (germline): Uncertain significance (1 of 4 stars; one submission).

Allele frequency attached by ClinVar (database versions not stated): gnomAD exomes 0.00001; TOPMed 0.00001; ExAC 0.00002; gnomAD 0.00002.
gnomAD v4.1: 23 of 1,604,922 alleles (0.0014%); highest among the groups gnomAD compares: Admixed American, 0.0034%; no homozygotes.

Submission:

Labcorp Genetics (formerly Invitae), Labcorp
Classification: Uncertain significance. Last evaluated: 2022-08-21. Review status: criteria provided, single submitter. Criteria: Invitae Variant Classification Sherloc (09022015). Collection method: clinical testing. Allele origin: germline.
Comment: In summary, the available evidence is currently insufficient to determine the role of this variant in disease. Therefore, it has been classified as a Variant of Uncertain Significance. Algorithms developed to predict the effect of missense changes on protein structure and function (SIFT, PolyPhen-2, Align-GVGD) all suggest that this variant is likely to be disruptive. This variant has not been reported in the literature in individuals affected with RIMS1-related conditions. This variant is present in population databases (rs551537892, gnomAD 0.006%). This sequence change replaces arginine, which is basic and polar, with histidine, which is basic and polar, at codon 776 of the RIMS1 protein (p.Arg776His).